The following is an entry in ClinVar:

ClinVar aggregate classification (germline): Uncertain significance (1 of 4 stars; one submission).

Submission:

GeneDx
Classification: Uncertain significance. Last evaluated: 2020-02-27. Review status: criteria provided, single submitter. Criteria: GeneDx Variant Classification Process June 2021. Collection method: clinical testing. Allele origin: germline. Affected: yes.
Comment: Not observed in large population cohorts (Lek et al., 2016); In silico analysis supports that this missense variant does not alter protein structure/function; Has not been previously published as pathogenic or benign to our knowledge

NM_001080483.3(MYMK):c.365T>C (p.Ile122Thr)

Gene: MYMK (myomaker, myoblast fusion factor; minus strand). Cytogenetic location: 9q34.2.
Variant type: single nucleotide variant.
Coding change: c.365T>C on transcript NM_001080483.3 (MANE Select); coding-DNA position 365, T replaced by C.
Protein change: p.Ile122Thr; replaces isoleucine 122 with threonine.
Molecular consequence: missense variant.
Genome position (GRCh38, 1-based): chr9:133,518,908, A>G on the plus strand (T>C on the coding strand, the complement: MYMK is on the minus strand). VCF-style: chr9-133518908-A-G. GRCh37 (hg19) VCF-style: chr9-136384030-A-G.
Other names: short protein forms I122T.
Identifiers: ClinVar variation 1314088 (VCV001314088.2), dbSNP rs1389031848, ClinGen allele CA375392212.